The following is an entry in ClinVar:

NM_144997.7(FLCN):c.1300+5G>C

Gene: FLCN (folliculin; minus strand). Cytogenetic location: 17p11.2.
Variant type: single nucleotide variant.
Coding change: c.1300+5G>C on transcript NM_144997.7 (MANE Select); 5 bases into the intron after coding-DNA position 1300, G replaced by C.
Molecular consequence: intron variant.
Genome position (GRCh38, 1-based): chr17:17,216,375, C>G on the plus strand (G>C on the coding strand, the complement: FLCN is on the minus strand). VCF-style: chr17-17216375-C-G. GRCh37 (hg19) VCF-style: chr17-17119689-C-G.
Other names: c.1300+5G>C (NM_001353231.2, NM_001353230.2); c.1354+5G>C (NM_001353229.2).
Identifiers: ClinVar variation 835599 (VCV000835599.10), dbSNP rs746264578, ClinGen allele CA916081881.
Genomic context (GRCh38, chr17:17,216,375, plus strand): 5'-TTTGGGCCTGAGGCGTGGGGAACCTCAGCGCAGGGCATGGCCCCACAGCCCGCGGGGGCA[C>G]GCACCTGAGGAGAGCACGTGGGGGGGGATCTGCACGTGCGGGCTGAGCCCCAGGAAGTTG-3'

ClinVar aggregate classification (germline): Conflicting classifications of pathogenicity. Review status: criteria provided, conflicting classifications (1 of 4 stars). 3 submissions from 3 submitters: Pathogenic (1); Likely pathogenic (1); Uncertain significance (1). Last evaluated 2024-12-02.

Conditions:
Hereditary cancer-predisposing syndrome. Also called: Neoplastic Syndromes, Hereditary; Hereditary neoplastic syndrome; Tumor predisposition; Hereditary Cancer Syndrome. Identifiers: Orphanet 140162, MedGen C0027672, MeSH D009386, MONDO:0015356.
Birt-Hogg-Dube syndrome. Also called: Birt Hogg Dubé syndrome. Identifiers: Orphanet 122, MedGen C0346010, MONDO:0800444.
FLCN-related disorder. Also called: FLCN-related condition.

Submissions (3):

Labcorp Genetics (formerly Invitae), Labcorp
Classification: Pathogenic for Birt-Hogg-Dube syndrome. Last evaluated: 2024-12-02. Review status: criteria provided, single submitter. Criteria: Invitae Variant Classification Sherloc (09022015). Collection method: clinical testing. Allele origin: germline.
Comment: This sequence change falls in intron 11 of the FLCN gene. It does not directly change the encoded amino acid sequence of the FLCN protein. RNA analysis indicates that this variant induces altered splicing and may result in an absent or altered protein product. This variant is not present in population databases (gnomAD no frequency). This variant has been observed in individuals with clinical features of Birt-Hogg-Dubé syndrome (external communication, internal data). It has also been observed to segregate with disease in related individuals. ClinVar contains an entry for this variant (Variation ID: 835599). Variants that disrupt the consensus splice site are a relatively common cause of aberrant splicing (PMID: 17576681, 9536098). Studies have shown that this variant results in skipping of exon 11, and produces a non-functional protein and/or introduces a premature termination codon (internal data). For these reasons, this variant has been classified as Pathogenic.

PreventionGenetics, part of Exact Sciences
Classification: Uncertain significance for FLCN-related condition. Last evaluated: 2023-08-09. Review status: criteria provided, single submitter. Criteria: ACMG Guidelines, 2015. Collection method: clinical testing. Allele origin: germline.
Comment: The FLCN c.1300+5G>C variant is predicted to interfere with splicing. To our knowledge, this variant has not been reported in the literature or in a large population database, indicating this variant is rare. It is interpreted as likely pathogenic in ClinVar. Although we suspect that this variant may be pathogenic, at this time, the clinical significance of this variant is uncertain due to the absence of conclusive functional and genetic evidence.

Ambry Genetics
Classification: Likely pathogenic for Hereditary cancer-predisposing syndrome. Last evaluated: 2022-06-15. Review status: criteria provided, single submitter. Criteria: Ambry Variant Classification Scheme 2023. Collection method: clinical testing. Allele origin: germline.
Comment: The c.1300+5G>C intronic variant results from a G to C substitution 5 nucleotides after coding exon 8 in the FLCN gene. This alteration has been observed in at least one individual with a personal and/or family history that is consistent with FLCN-related disease (Ambry internal data). This variant is considered to be rare based on population cohorts in the Genome Aggregation Database (gnomAD). This nucleotide position is not well conserved in available vertebrate species. In silico splice site analysis for this alteration is inconclusive. RNA studies have demonstrated that this alteration results in abnormal splicing in the set of samples tested (Ambry internal data). Based on the majority of available evidence to date, this variant is likely to be pathogenic.

Literature cited by the submitters: PubMed 17576681 (cited by Labcorp Genetics (formerly Invitae), Labcorp); PubMed 9536098 (cited by Labcorp Genetics (formerly Invitae), Labcorp).